The following is an entry in ClinVar:

NM_133459.4(CCBE1):c.*1697G>C

Gene: CCBE1 (collagen and calcium binding EGF domains 1; minus strand). Cytogenetic location: 18q21.32.
Variant type: single nucleotide variant.
Coding change: c.*1697G>C on transcript NM_133459.4 (MANE Select); 1697 bases downstream of the stop codon, G replaced by C.
Molecular consequence: 3 prime UTR variant.
Genome position (GRCh38, 1-based): chr18:59,434,211, C>G on the plus strand (G>C on the coding strand, the complement: CCBE1 is on the minus strand). VCF-style: chr18-59434211-C-G. GRCh37 (hg19) VCF-style: chr18-57101443-C-G.
Other names: c.*1697G>C (LRG_1209t1).
Identifiers: ClinVar variation 327668 (VCV000327668.5), dbSNP rs59131196, ClinGen allele CA10648019.

ClinVar aggregate classification (germline): Benign (1 of 4 stars; one submission).

Conditions:
Hennekam lymphangiectasia-lymphedema syndrome 1 (HKLLS1). Also called: LYMPHATIC DYSPLASIA, GENERALIZED. Identifiers: Orphanet 2136, MedGen C4012050, MONDO:0009337, OMIM 235510.

Allele frequency attached by ClinVar (database versions not stated): gnomAD 0.01037 and 0.01117; 1000 Genomes Project 0.01078; 1000 Genomes Project 30x 0.01109; TOPMed 0.01129.

Submission:

Illumina Laboratory Services, Illumina
Classification: Benign for Hennekam lymphangiectasia-lymphedema syndrome 1. Last evaluated: 2018-01-13. Review status: criteria provided, single submitter. Criteria: ICSL Variant Classification Criteria 13 December 2019. Collection method: clinical testing. Allele origin: germline.
Comment: This variant was observed in the ICSL laboratory as part of a predisposition screen in an ostensibly healthy population. It had not been previously curated by ICSL or reported in the Human Gene Mutation Database (HGMD: prior to June 1st, 2018), and was therefore a candidate for classification through an automated scoring system. Utilizing variant allele frequency, disease prevalence and penetrance estimates, and inheritance mode, an automated score was calculated to assess if this variant is too frequent to cause the disease. Based on the score and internal cut-off values, a variant classified as benign is not then subjected to further curation. The score for this variant resulted in a classification of benign for this disease.